The following is an entry in ClinVar:

NM_001211.6(BUB1B):c.1540A>T (p.Ile514Phe)

Gene: BUB1B (BUB1 mitotic checkpoint serine/threonine kinase B; plus strand). Cytogenetic location: 15q15.1.
Variant type: single nucleotide variant.
Coding change: c.1540A>T on transcript NM_001211.6 (MANE Select); coding-DNA position 1540, A replaced by T.
Protein change: p.Ile514Phe; replaces isoleucine 514 with phenylalanine.
Molecular consequence: missense variant.
Genome position (GRCh38, 1-based): chr15:40,200,953, A>T. VCF-style: chr15-40200953-A-T. GRCh37 (hg19) VCF-style: chr15-40493154-A-T.
Other names: short protein forms I514F.
Identifiers: ClinVar variation 3631373 (VCV003631373.2).

ClinVar aggregate classification (germline): Uncertain significance (1 of 4 stars; one submission).

Conditions:
Mosaic variegated aneuploidy syndrome 1 (MVA1). Also called: Warburton-Anyane-Yeboa syndrome. Identifiers: Orphanet 1052, MedGen C1850343, MONDO:0009759, OMIM 257300.

gnomAD v4.1: 3 of 1,613,380 alleles (0.00019%); highest among the groups gnomAD compares: Non-Finnish European, 0.00025%; no homozygotes.

Submission:

Labcorp Genetics (formerly Invitae), Labcorp
Classification: Uncertain significance for Mosaic variegated aneuploidy syndrome 1. Last evaluated: 2024-06-11. Review status: criteria provided, single submitter. Criteria: Invitae Variant Classification Sherloc (09022015). Collection method: clinical testing. Allele origin: germline.
Comment: This sequence change replaces isoleucine, which is neutral and non-polar, with phenylalanine, which is neutral and non-polar, at codon 514 of the BUB1B protein (p.Ile514Phe). This variant is not present in population databases (gnomAD no frequency). This variant has not been reported in the literature in individuals affected with BUB1B-related conditions. Algorithms developed to predict the effect of missense changes on protein structure and function output the following: SIFT: "Not Available"; PolyPhen-2: "Benign"; Align-GVGD: "Not Available". The phenylalanine amino acid residue is found in multiple mammalian species, which suggests that this missense change does not adversely affect protein function. In summary, the available evidence is currently insufficient to determine the role of this variant in disease. Therefore, it has been classified as a Variant of Uncertain Significance.